The following is an entry in ClinVar:

NM_000053.4(ATP7B):c.1174G>T (p.Val392Leu)

Gene: ATP7B (ATPase copper transporting beta; minus strand). Cytogenetic location: 13q14.3.
Variant type: single nucleotide variant.
Coding change: c.1174G>T on transcript NM_000053.4 (MANE Select); coding-DNA position 1174, G replaced by T.
Protein change: p.Val392Leu; replaces valine 392 with leucine.
Molecular consequence: missense variant.
Genome position (GRCh38, 1-based): chr13:51,974,046, C>A on the plus strand (G>T on the coding strand, the complement: ATP7B is on the minus strand). VCF-style: chr13-51974046-C-A. GRCh37 (hg19) VCF-style: chr13-52548182-C-A.
Other names: p.Val392Leu; c.1174G>T, p.Val392Leu (NM_001406523.1, NM_001406524.1, NM_001406525.1 and 29 more transcripts); c.1078G>T, p.Val360Leu (NM_001406530.1, NM_001406544.1, NM_001406517.1 and 3 more transcripts); c.841G>T, p.Val281Leu (NM_001243182.2); c.745G>T, p.Val249Leu (NM_001406539.1); short protein forms V249L, V281L, V360L, V392L.
Identifiers: ClinVar variation 2189763 (VCV002189763.9), dbSNP rs757682276, ClinGen allele CA6989423.

ClinVar aggregate classification (germline): Uncertain significance. Review status: criteria provided, multiple submitters, no conflicts (2 of 4 stars). 5 submissions from 5 submitters: Uncertain significance (5). Last evaluated 2024-09-20.

Conditions:
Wilson disease (WND). Also called: Wilson's disease. Identifiers: Orphanet 905, MedGen C0019202, MONDO:0010200, OMIM 277900. Disease mechanism: loss of function.

Allele frequency attached by ClinVar (database versions not stated): ExAC 0.00001; gnomAD 0.00001; gnomAD exomes 0.00001; TOPMed 0.00001.
gnomAD v4.1: 20 of 1,614,086 alleles (0.0012%); highest among the groups gnomAD compares: Non-Finnish European, 0.0016%; no homozygotes.

Submissions (5):

Mayo Clinic Laboratories, Mayo Clinic
Classification: Uncertain significance. Last evaluated: 2024-09-20. Review status: criteria provided, single submitter. Criteria: ACMG Guidelines, 2015. Collection method: clinical testing. Allele origin: germline. Observed: 2 variant alleles.

All of Us Research Program, National Institutes of Health
Classification: Uncertain significance for Wilson disease. Last evaluated: 2024-03-05. Review status: criteria provided, single submitter. Criteria: ACMG Guidelines, 2015. Collection method: clinical testing. Allele origin: germline. Inheritance: Autosomal recessive inheritance. Observed: 4 variant alleles, 4 heterozygotes.
Comment: This missense variant replaces valine with leucine at codon 392 of the ATP7B protein. Computational prediction is inconclusive regarding the impact of this variant on protein structure and function (internally defined REVEL score threshold 0.5 < inconclusive < 0.7, PMID: 27666373). To our knowledge, functional studies have not been reported for this variant. This variant has not been reported in individuals affected with ATP7B-related disorders in the literature. This variant has been identified in 2/249552 chromosomes in the general population by the Genome Aggregation Database (gnomAD). The available evidence is insufficient to determine the role of this variant in disease conclusively. Therefore, this variant is classified as a Variant of Uncertain Significance.

This study involves interpretation of variants in research participants for the purpose of population health screening. Participant phenotype was not available at the time of variant classification. Additional details can be found in publication PMID: 35346344, PMCID: PMC8962531

Revvity Omics, Revvity
Classification: Uncertain significance for Wilson disease. Last evaluated: 2023-08-01. Review status: criteria provided, single submitter. Criteria: ACMG Guidelines, 2015. Collection method: clinical testing. Allele origin: germline.

Color Diagnostics, LLC DBA Color Health
Classification: Uncertain significance for Wilson disease. Last evaluated: 2022-11-11. Review status: criteria provided, single submitter. Criteria: ACMG Guidelines, 2015. Collection method: clinical testing. Allele origin: germline.
Comment: This missense variant replaces valine with leucine at codon 392 of the ATP7B protein. Computational prediction is inconclusive regarding the impact of this variant on protein structure and function. To our knowledge, functional studies have not been reported for this variant. This variant has not been reported in individuals affected with ATP7B-related disorders in the literature. This variant has been identified in 2/249552 chromosomes in the general population by the Genome Aggregation Database (gnomAD). The available evidence is insufficient to determine the role of this variant in disease conclusively. Therefore, this variant is classified as a Variant of Uncertain Significance.

Labcorp Genetics (formerly Invitae), Labcorp
Classification: Uncertain significance for Wilson disease. Last evaluated: 2022-03-15. Review status: criteria provided, single submitter. Criteria: Invitae Variant Classification Sherloc (09022015). Collection method: clinical testing. Allele origin: germline.
Comment: This sequence change replaces valine, which is neutral and non-polar, with leucine, which is neutral and non-polar, at codon 392 of the ATP7B protein (p.Val392Leu). This variant is present in population databases (rs757682276, gnomAD 0.002%). This variant has not been reported in the literature in individuals affected with ATP7B-related conditions. Algorithms developed to predict the effect of missense changes on protein structure and function are either unavailable or do not agree on the potential impact of this missense change (SIFT: "Deleterious"; PolyPhen-2: "Possibly Damaging"; Align-GVGD: "Class C0"). In summary, the available evidence is currently insufficient to determine the role of this variant in disease. Therefore, it has been classified as a Variant of Uncertain Significance.